The following is an entry in ClinVar:

NM_033305.3(VPS13A):c.3475_3476insACTGTCTCTTATACACA (p.Val1159fs)

Gene: VPS13A (vacuolar protein sorting 13 homolog A; plus strand). Cytogenetic location: 9q21.2.
Variant type: Insertion.
Coding change: c.3475_3476insACTGTCTCTTATACACA on transcript NM_033305.3 (MANE Select); coding-DNA positions 3475 to 3476, ACTGTCTCTTATACACA inserted.
Protein change: p.Val1159fs; shifts the reading frame from valine 1159.
Molecular consequence: frameshift variant.
Genome position: GRCh38 VCF-style: chr9-77293476-G-GACTGTCTCTTATACACA. GRCh37 (hg19) VCF-style: chr9-79908392-G-GACTGTCTCTTATACACA.
Other names: c.3358_3359insACTGTCTCTTATACACA, p.Val1120fs (NM_001018037.2); c.3475_3476insACTGTCTCTTATACACA, p.Val1159fs (NM_001018038.3, NM_015186.4); short protein forms V1120fs, V1159fs.
Identifiers: ClinVar variation 5011215 (VCV005011215.1).

ClinVar aggregate classification (germline): Pathogenic (1 of 4 stars; one submission).

Conditions:
VPS13A-related neurodegenerative disease. Also called: ACANTHOCYTOSIS WITH NEUROLOGIC DISORDER; LEVINE-CRITCHLEY SYNDROME; Choreoacanthocytosis; Chorea-acanthocytosis; Choreaacanthocytosis; VPS13A Disease. Identifiers: Orphanet 2388, MedGen C0393576, MONDO:0008695, OMIM 200150.

Submission:

Myriad Genetics, Inc.
Classification: Pathogenic for VPS13A-related neurodegenerative disease. Last evaluated: 2024-05-14. Review status: criteria provided, single submitter. Criteria: Myriad Autosomal Dominant, Autosomal Recessive and X-Linked Classification Criteria (2023). Collection method: clinical testing. Allele origin: unknown.
Comment: NM_033305.2(VPS13A):c.3475_3476ins17(V1159Dfs*20) is expected to be pathogenic in the context of VPS13A disease. This variant is predicted to lead to an abnormal or absent protein product due to the creation of a premature termination codon in VPS13A, a gene where loss-of-function variants are known to be pathogenic. Please note: this variant was assessed in the context of healthy population screening.